The following is an entry in ClinVar:

NM_001267550.2(TTN):c.16118C>A (p.Thr5373Asn)

Gene: TTN (titin; minus strand). Cytogenetic location: 2q31.2.
Variant type: single nucleotide variant.
Coding change: c.16118C>A on transcript NM_001267550.2 (MANE Select); coding-DNA position 16118, C replaced by A.
Protein change: p.Thr5373Asn; replaces threonine 5373 with asparagine.
Molecular consequence: missense variant. On other transcripts: intron variant (3).
Genome position (GRCh38, 1-based): chr2:178,733,058, G>T on the plus strand (C>A on the coding strand, the complement: TTN is on the minus strand). VCF-style: chr2-178733058-G-T. GRCh37 (hg19) VCF-style: chr2-179597785-G-T.
Other names: c.16118C>A (NM_001267550.1); c.15167C>A, p.Thr5056Asn (NM_001256850.1); c.12386C>A, p.Thr4129Asn (NM_133378.4); c.13282+5024C>A (NM_003319.4); c.13858+5024C>A (NM_133437.4); c.13657+5024C>A (NM_133432.3); short protein forms T5373N, T5056N, T4129N.
Identifiers: ClinVar variation 535522 (VCV000535522.5), dbSNP rs1057103177, ClinGen allele CA60980027.

ClinVar aggregate classification (germline): Uncertain significance. Review status: criteria provided, multiple submitters, no conflicts (2 of 4 stars). 3 submissions from 3 submitters: Uncertain significance (3). Last evaluated 2026-02-23.

Conditions:
TTN-related disorder. Also called: TTN-related condition; TTN-related disease; TTN-related disorders.
Dilated cardiomyopathy 1G (CMD1G). Identifiers: Orphanet 154, MedGen C1858763, MONDO:0011400, OMIM 604145.
Autosomal recessive limb-girdle muscular dystrophy type 2J (LGMDR10). Also called: MUSCULAR DYSTROPHY, LIMB-GIRDLE, AUTOSOMAL RECESSIVE 10; Limb-girdle muscular dystrophy, type 2J. Identifiers: Orphanet 140922, MedGen C1837342, MONDO:0012127, OMIM 608807.

Allele frequency attached by ClinVar (database versions not stated): gnomAD exomes below 0.00001; gnomAD 0.00002 and 0.00004; TOPMed 0.00006.
gnomAD v4.1: 6 of 1,612,480 alleles (0.00037%); highest among the groups gnomAD compares: African/African-American, 0.004%; no homozygotes.

Submissions (3):

PreventionGenetics, part of Exact Sciences
Classification: Uncertain significance for TTN-related condition. Last evaluated: 2026-02-23. Review status: criteria provided, single submitter. Criteria: ACMG Guidelines, 2015. Collection method: clinical testing. Allele origin: germline.
Comment: The TTN c.16118C>A variant is predicted to result in the amino acid substitution p.Thr5373Asn. To our knowledge, this variant has not been reported in the literature or in a large population database (gnomAD), indicating this variant is rare. At this time, the clinical significance of this variant is uncertain due to the absence of conclusive functional and genetic evidence.

GeneDx
Classification: Uncertain significance. Last evaluated: 2025-02-19. Review status: criteria provided, single submitter. Criteria: GeneDx Variant Classification Process June 2021. Collection method: clinical testing. Allele origin: germline. Affected: yes.
Comment: Has not been previously published as pathogenic or benign to our knowledge; Not observed at significant frequency in large population cohorts (gnomAD); Missense variant in a gene in which most reported pathogenic variants are truncating/loss of function

Labcorp Genetics (formerly Invitae), Labcorp
Classification: Uncertain significance for Dilated cardiomyopathy 1G; Autosomal recessive limb-girdle muscular dystrophy type 2J. Last evaluated: 2017-12-27. Review status: criteria provided, single submitter. Criteria: Invitae Variant Classification Sherloc (09022015). Collection method: clinical testing. Allele origin: germline.